The following is an entry in ClinVar:

NM_173354.5(SIK1):c.1745-2A>G

Gene: SIK1 (salt inducible kinase 1; minus strand). Cytogenetic location: 21q22.3.
Variant type: single nucleotide variant.
Coding change: c.1745-2A>G on transcript NM_173354.5 (MANE Select); the canonical splice acceptor site of the intron before coding-DNA position 1745, A replaced by G.
Molecular consequence: splice acceptor variant.
Genome position (GRCh38, 1-based): chr21:43,417,776, T>C on the plus strand (A>G on the coding strand, the complement: SIK1 is on the minus strand). VCF-style: chr21-43417776-T-C. GRCh37 (hg19) VCF-style: chr21-44837656-T-C.
Identifiers: ClinVar variation 570900 (VCV000570900.7), dbSNP rs1569014372, ClinGen allele CA410607392.
Genomic context (GRCh38, chr21:43,417,776, plus strand): 5'-TCCCAGAAACCCTTTGGTCCGCGTGGTCTTCCTCAGCTGCTGCCGAAAGGCCTTCAGCCC[T>C]GCAGGGAGAATGAATCAGGAGGTCAACGGCCACCCGGCTCTCAGCCCAGCATCCACGGCC-3'

ClinVar aggregate classification (germline): Uncertain significance (1 of 4 stars; one submission).

Conditions:
Developmental and epileptic encephalopathy, 30 (DEE30). Also called: Epileptic encephalopathy, early infantile, 30. Identifiers: MedGen C4225360, MONDO:0014595, OMIM 616341.

Submission:

Labcorp Genetics (formerly Invitae), Labcorp
Classification: Uncertain significance for Developmental and epileptic encephalopathy, 30. Last evaluated: 2018-06-14. Review status: criteria provided, single submitter. Criteria: Invitae Variant Classification Sherloc (09022015). Collection method: clinical testing. Allele origin: germline.
Comment: In summary, the available evidence is currently insufficient to determine the role of this variant in disease. Therefore, it has been classified as a Variant of Uncertain Significance. The current clinical and genetic evidence is not sufficient to establish whether loss-of-function variants in SIK1 cause disease. Algorithms developed to predict the effect of sequence changes on RNA splicing suggest that this variant may disrupt the consensus splice site, but this prediction has not been confirmed by published transcriptional studies. This variant has not been reported in the literature in individuals with SIK1-related disease. This variant is not present in population databases (ExAC no frequency). This sequence change affects an acceptor splice site in intron 12 of the SIK1 gene. It is expected to disrupt RNA splicing and likely results in an absent or disrupted protein product.